The following is an entry in ClinVar:

NM_001267550.2(TTN):c.58426G>A (p.Val19476Ile)

Genes: TTN (titin; minus strand), TTN-AS1 (TTN antisense RNA 1; plus strand). Cytogenetic location: 2q31.2.
Variant type: single nucleotide variant.
Coding change: c.58426G>A on transcript NM_001267550.2 (MANE Select); coding-DNA position 58426, G replaced by A.
Protein change: p.Val19476Ile; replaces valine 19476 with isoleucine.
Molecular consequence: missense variant.
Genome position (GRCh38, 1-based): chr2:178,593,967, C>T on the plus strand (G>A on the coding strand, the complement: TTN is on the minus strand). VCF-style: chr2-178593967-C-T. GRCh37 (hg19) VCF-style: chr2-179458694-C-T.
Other names: p.V17835I:GTT>ATT; c.53503G>A, p.Val17835Ile (NM_001256850.1); c.50722G>A, p.Val16908Ile (NM_133378.4); c.31231G>A, p.Val10411Ile (NM_003319.4); c.31606G>A, p.Val10536Ile (NM_133432.3); c.31807G>A, p.Val10603Ile (NM_133437.4); short protein forms V19476I, V16908I, V17835I, V10411I, V10536I, V10603I.
Identifiers: ClinVar variation 47135 (VCV000047135.22), dbSNP rs397517636, ClinGen allele CA140094.

ClinVar aggregate classification (germline): Conflicting classifications of pathogenicity. Review status: criteria provided, conflicting classifications (1 of 4 stars). 11 submissions from 7 submitters: Uncertain significance (1); Benign (4); Likely benign (5). 1 of the submissions does not count toward it. Last evaluated 2026-02-04.

Conditions:
Cardiovascular phenotype. Identifiers: MedGen CN230736.
Dilated cardiomyopathy 1G (CMD1G). Identifiers: Orphanet 154, MedGen C1858763, MONDO:0011400, OMIM 604145.
Autosomal recessive limb-girdle muscular dystrophy type 2J (LGMDR10). Also called: Limb-girdle muscular dystrophy, type 2J; MUSCULAR DYSTROPHY, LIMB-GIRDLE, AUTOSOMAL RECESSIVE 10. Identifiers: Orphanet 140922, MedGen C1837342, MONDO:0012127, OMIM 608807.
Early-onset myopathy with fatal cardiomyopathy (CMYO5). Also called: CONGENITAL MYOPATHY 5 WITH CARDIOMYOPATHY; Salih Myopathy. Identifiers: Orphanet 289377, MedGen C2673677, MONDO:0012714, OMIM 611705. Disease mechanism: loss of function.
Myopathy, myofibrillar, 9, with early respiratory failure (MFM9). Also called: MYOPATHY, PROXIMAL, WITH EARLY RESPIRATORY MUSCLE INVOLVEMENT; Myopathy, distal, with early respiratory failure, autosomal dominant; Hereditary myopathy with early respiratory failure; EDSTROM MYOPATHY. Identifiers: Orphanet 178464, Orphanet 34521, MedGen C1863599, MONDO:0011362, OMIM 603689.
Tibial muscular dystrophy (TMD). Also called: Tibial muscular dystrophy, tardive; UDD MYOPATHY; Udd Distal Myopathy – Tibial Muscular Dystrophy. Identifiers: Orphanet 609, MedGen C1838244, MONDO:0010870, OMIM 600334.

Allele frequency attached by ClinVar (database versions not stated): gnomAD 0.00004 and 0.00066; TOPMed 0.00005; gnomAD exomes 0.00256; ExAC 0.00290; 1000 Genomes Project 30x 0.00562; 1000 Genomes Project 0.00599.
gnomAD v4.1: 1,812 of 1,613,370 alleles (0.11%); highest among the groups gnomAD compares: South Asian, 1.9%; 46 homozygotes.

Submissions (11):

Labcorp Genetics (formerly Invitae), Labcorp
Classification: Benign for Dilated cardiomyopathy 1G; Autosomal recessive limb-girdle muscular dystrophy type 2J. Last evaluated: 2026-02-04. Review status: criteria provided, single submitter. Criteria: Invitae Variant Classification Sherloc (09022015). Collection method: clinical testing. Allele origin: germline.

Molecular Diagnostic Laboratory for Inherited Cardiovascular Disease, Montreal Heart Institute
Classification: Likely benign. Last evaluated: 2025-04-09. Review status: criteria provided, single submitter. Criteria: ACMG Guidelines, 2015. Collection method: clinical testing. Allele origin: germline. Affected: no.

Women's Health and Genetics/Laboratory Corporation of America, LabCorp
Classification: Likely benign. Last evaluated: 2022-04-17. Review status: criteria provided, single submitter. Criteria: LabCorp Variant Classification Summary - May 2015. Collection method: clinical testing. Allele origin: germline.

Ambry Genetics
Classification: Benign for Cardiovascular phenotype. Last evaluated: 2019-10-16. Review status: criteria provided, single submitter. Criteria: Ambry Variant Classification Scheme 2023. Collection method: clinical testing. Allele origin: germline.

Illumina Laboratory Services, Illumina
Classification: Benign for Tibial muscular dystrophy. Last evaluated: 2018-01-13. Review status: criteria provided, single submitter. Criteria: ICSL Variant Classification Criteria 13 December 2019. Collection method: clinical testing. Allele origin: germline.
Comment: This variant was observed in the ICSL laboratory as part of a predisposition screen in an ostensibly healthy population. It had not been previously curated by ICSL or reported in the Human Gene Mutation Database (HGMD: prior to June 1st, 2018), and was therefore a candidate for classification through an automated scoring system. Utilizing variant allele frequency, disease prevalence and penetrance estimates, and inheritance mode, an automated score was calculated to assess if this variant is too frequent to cause the disease. Based on the score and internal cut-off values, a variant classified as benign is not then subjected to further curation. The score for this variant resulted in a classification of benign for this disease.

Illumina Laboratory Services, Illumina
Classification: Likely benign for Autosomal recessive limb-girdle muscular dystrophy type 2J. Last evaluated: 2018-01-13. Review status: criteria provided, single submitter. Criteria: ICSL Variant Classification Criteria 13 December 2019. Collection method: clinical testing. Allele origin: germline.
Comment: This variant was observed in the ICSL laboratory as part of a predisposition screen in an ostensibly healthy population. It had not been previously curated by ICSL or reported in the Human Gene Mutation Database (HGMD: prior to June 1st, 2018), and was therefore a candidate for classification through an automated scoring system. Utilizing variant allele frequency, disease prevalence and penetrance estimates, and inheritance mode, an automated score was calculated to assess if this variant is too frequent to cause the disease. Based on the score and internal cut-off values, a variant classified as likely benign is not then subjected to further curation. The score for this variant resulted in a classification of likely benign for this disease.

Illumina Laboratory Services, Illumina
Classification: Likely benign for Early-onset myopathy with fatal cardiomyopathy. Last evaluated: 2018-01-13. Review status: criteria provided, single submitter. Criteria: ICSL Variant Classification Criteria 13 December 2019. Collection method: clinical testing. Allele origin: germline.
Comment: the same text as in the submission from Illumina Laboratory Services, Illumina above.

Illumina Laboratory Services, Illumina
Classification: Benign for Myopathy, myofibrillar, 9, with early respiratory failure. Last evaluated: 2018-01-13. Review status: criteria provided, single submitter. Criteria: ICSL Variant Classification Criteria 13 December 2019. Collection method: clinical testing. Allele origin: germline.
Comment: the same text as in the submission from Illumina Laboratory Services, Illumina above.

Illumina Laboratory Services, Illumina
Classification: Likely benign for Dilated cardiomyopathy 1G. Last evaluated: 2018-01-13. Review status: criteria provided, single submitter. Criteria: ICSL Variant Classification Criteria 13 December 2019. Collection method: clinical testing. Allele origin: germline.
Comment: the same text as in the submission from Illumina Laboratory Services, Illumina above.

Laboratory for Molecular Medicine, Mass General Brigham Personalized Medicine
Classification: Uncertain significance. Last evaluated: 2013-12-12. Review status: criteria provided, single submitter. Criteria: LMM Criteria. Collection method: clinical testing. Allele origin: germline. Observed: 3 variant alleles.
Comment: Compu tational analyses (biochemical amino acid properties, conservation, AlignGVGD, P olyPhen2, and SIFT) do not provide strong support for or against an impact to th e protein. Additional information is needed to fully assess the clinical signifi cance of this variant.

GeneDx
No classification provided. Last evaluated: 2013-09-17. Review status: no classification provided. Criteria: GeneDx Variant Classification (06012015). Collection method: clinical testing. Allele origin: germline. Affected: yes. Not counted in ClinVar's aggregate classification.
Comment: Missense variants in the TTN gene are considered 'unclassified' if they are not previously reported in the literature and do not have >1% frequency in the population to be considered a polymorphism. Research indicates that truncating mutations in the TTN gene are expected to account for approximately 25% of familial and 18% of sporadic idiopathic DCM; however, truncating variants in the TTN gene have been reported in approximately 3% of reported control alleles. There has been little investigation into non-truncating variants. (Herman D et al. Truncations of titin causing dilated cardiomyopathy. N Eng J Med 366:619-628, 2012) The variant is found in DCM panel(s).